The following is an entry in ClinVar:

ClinVar aggregate classification (germline): Uncertain significance. Review status: criteria provided, multiple submitters, no conflicts (2 of 4 stars). 2 submissions from 2 submitters: Uncertain significance (2). Last evaluated 2026-03-02.

Conditions:
Hereditary cancer-predisposing syndrome. Also called: Hereditary neoplastic syndrome; Tumor predisposition; Hereditary Cancer Syndrome; Neoplastic Syndromes, Hereditary. Identifiers: Orphanet 140162, MedGen C0027672, MeSH D009386, MONDO:0015356.
SDHAF2-related disorder. Also called: SDHAF2-related condition.

Submissions (2):

Ambry Genetics
Classification: Uncertain significance for Hereditary cancer-predisposing syndrome. Last evaluated: 2026-03-02. Review status: criteria provided, single submitter. Criteria: Ambry Variant Classification Scheme 2023. Collection method: clinical testing. Allele origin: germline.
Comment: The c.469delG variant, located in coding exon 4 of the SDHAF2 gene, results from a deletion of one nucleotide at nucleotide position 469, causing a translational frameshift with a predicted alternate stop codon (p.D157Ifs*26). This variant occurs at the 3' terminus of the gene, is not expected to trigger nonsense-mediated mRNAdecay and results in the elongation of the protein by 15 amino acids. This frameshift impacts the last 6% of the native protein. The exact functional effect of the altered amino acids is unknown. Based on the available evidence, the clinical significance of this variant remains unclear.

PreventionGenetics, part of Exact Sciences
Classification: Uncertain significance for SDHAF2-related condition. Last evaluated: 2025-02-11. Review status: criteria provided, single submitter. Criteria: ACMG Guidelines, 2015. Collection method: clinical testing. Allele origin: germline.
Comment: The SDHAF2 c.469delG variant is predicted to result in a frameshift and premature protein termination (p.Asp157Ilefs*26). This variant occurs at the 3' terminus of the SDHAF2 gene and is not expected to result in nonsense mediated mRNA decay. This variant extends the length of the protein and it is currently unknown how this alteration affects protein function. To our knowledge, this variant has not been reported in the literature or in a large population database (gnomAD), indicating this variant is rare. At the time of reporting, this variant is absent in ClinVar. At this time, the clinical significance of this variant is uncertain due to the absence of conclusive functional and genetic evidence.

NM_017841.4(SDHAF2):c.469del (p.Asp157fs)

Gene: SDHAF2 (succinate dehydrogenase complex assembly factor 2; plus strand). Cytogenetic location: 11q12.2.
Variant type: Deletion.
Coding change: c.469del on transcript NM_017841.4 (MANE Select); coding-DNA position 469, one base deleted (G; older notation c.469delG).
Protein change: p.Asp157fs; shifts the reading frame from aspartic acid 157.
Molecular consequence: frameshift variant.
Genome position (GRCh38, 1-based): chr11:61,446,039, G deleted. VCF-style (leftmost placement, unchanged base first): chr11-61446038-AG-A. GRCh37 (hg19) VCF-style: chr11-61213510-AG-A.
Other names: short protein forms D157fs.
Identifiers: ClinVar variation 4826036 (VCV004826036.2).
Genomic context (GRCh38, chr11:61,446,038, plus strand): 5'-CATGGCCCTGCTGAGAGACTTTGCTAAAAACAAAAACAAAGAGCAGAGACTGCGTGCCCC[AG>A]ATCTTGAGTACCTCTTTGAAAAGCCACGTTGAGCTGTGCTCCACGGCCTGGCATGGGGGT-3'